The following is an entry in ClinVar:

NM_177559.3(CSNK2A1):c.1061-1G>A

Gene: CSNK2A1 (casein kinase 2 alpha 1; minus strand). Cytogenetic location: 20p13.
Variant type: single nucleotide variant.
Coding change: c.1061-1G>A on transcript NM_177559.3 (MANE Select); the canonical splice acceptor site of the intron before coding-DNA position 1061, G replaced by A.
Molecular consequence: splice acceptor variant.
Genome position (GRCh38, 1-based): chr20:484,077, C>T on the plus strand (G>A on the coding strand, the complement: CSNK2A1 is on the minus strand). VCF-style: chr20-484077-C-T. GRCh37 (hg19) VCF-style: chr20-464721-C-T.
Other names: c.653-1G>A (NM_177560.3); c.1061-1G>A (NM_001362771.2, NM_001895.4, NM_001362770.2).
Identifiers: ClinVar variation 5002696 (VCV005002696.1).

ClinVar aggregate classification (germline): Uncertain significance (1 of 4 stars; one submission).

Conditions:
Okur-Chung neurodevelopmental syndrome (OCNDS). Identifiers: Orphanet 689422, MedGen C4310739, MONDO:0014893, OMIM 617062.

Submission:

OLLIN Analises Genomicas, OLLIN
Classification: Uncertain significance for Okur-Chung neurodevelopmental syndrome. Last evaluated: 2026-08-06. Review status: criteria provided, single submitter. Criteria: ACMG Guidelines 2015 PMID 25741868. Collection method: clinical testing. Allele origin: germline. Inheritance: Autosomal dominant inheritance.
Comment: This variant, located at the canonical splicing site (splice acceptor), is absent from gnomAD and ClinVar and has not been identified in the literature. This variant is predicted to disrupt a canonical splice site, potentially leading to exon skipping, mRNA degradation via nonsense-mediated decay (NMD), or production of a truncated protein. According to the currently available evidence, this variant has been classified as uncertain significance (PVS1_M, PM2_P).